The following is an entry in ClinVar:

ClinVar aggregate classification (germline): Uncertain significance (1 of 4 stars; one submission).

Allele frequency attached by ClinVar (database versions not stated): gnomAD exomes below 0.00001; ExAC 0.00001; gnomAD 0.00001 and 0.00002; TOPMed 0.00002.
gnomAD v4.1: 8 of 1,613,616 alleles (0.0005%); highest among the groups gnomAD compares: African/African-American, 0.0013%; no homozygotes.

Submission:

Labcorp Genetics (formerly Invitae), Labcorp
Classification: Uncertain significance. Last evaluated: 2024-08-17. Review status: criteria provided, single submitter. Criteria: Invitae Variant Classification Sherloc (09022015). Collection method: clinical testing. Allele origin: germline.
Comment: This sequence change replaces alanine, which is neutral and non-polar, with threonine, which is neutral and polar, at codon 311 of the SAG protein (p.Ala311Thr). This variant is present in population databases (rs769806044, gnomAD 0.0009%). This missense change has been observed in individual(s) with clinical features of retinitis pigmentosa (Invitae). ClinVar contains an entry for this variant (Variation ID: 849615). Invitae Evidence Modeling of protein sequence and biophysical properties (such as structural, functional, and spatial information, amino acid conservation, physicochemical variation, residue mobility, and thermodynamic stability) indicates that this missense variant is expected to disrupt SAG protein function with a positive predictive value of 80%. In summary, the available evidence is currently insufficient to determine the role of this variant in disease. Therefore, it has been classified as a Variant of Uncertain Significance.

NM_000541.5(SAG):c.931G>A (p.Ala311Thr)

Gene: SAG (S-antigen visual arrestin; plus strand). Cytogenetic location: 2q37.1.
Variant type: single nucleotide variant.
Coding change: c.931G>A on transcript NM_000541.5 (MANE Select); coding-DNA position 931, G replaced by A.
Protein change: p.Ala311Thr; replaces alanine 311 with threonine.
Molecular consequence: missense variant.
Genome position (GRCh38, 1-based): chr2:233,335,086, G>A. VCF-style: chr2-233335086-G-A. GRCh37 (hg19) VCF-style: chr2-234243732-G-A.
Other names: short protein forms A311T.
Identifiers: ClinVar variation 849615 (VCV000849615.10), dbSNP rs769806044, ClinGen allele CA2174577.